The following is an entry in ClinVar:

ClinVar aggregate classification (germline): Uncertain significance. Review status: criteria provided, multiple submitters, no conflicts (2 of 4 stars). 2 submissions from 2 submitters: Uncertain significance (2). Last evaluated 2026-01-21.

Conditions:
Inborn genetic diseases. Identifiers: MedGen C0950123, MeSH D030342.

gnomAD v4.1: 17 of 1,613,714 alleles (0.0011%); highest among the groups gnomAD compares: African/African-American, 0.019%; no homozygotes.

Submissions (2):

GeneDx
Classification: Uncertain significance. Last evaluated: 2026-01-21. Review status: criteria provided, single submitter. Criteria: GeneDx Variant Classification Process June 2021. Collection method: clinical testing. Allele origin: germline.
Comment: In silico analysis suggests that this missense variant does not alter protein structure/function; Has not been previously published as pathogenic or benign to our knowledge

Ambry Genetics
Classification: Uncertain significance for Inborn genetic diseases. Last evaluated: 2025-01-21. Review status: criteria provided, single submitter. Criteria: Ambry Variant Classification Scheme 2023. Collection method: clinical testing. Allele origin: germline.

NM_003922.4(HERC1):c.10462A>G (p.Ser3488Gly)

Gene: HERC1 (HECT and RLD domain containing E3 ubiquitin protein ligase family member 1; minus strand). Cytogenetic location: 15q22.31.
Variant type: single nucleotide variant.
Coding change: c.10462A>G on transcript NM_003922.4 (MANE Select); coding-DNA position 10462, A replaced by G.
Protein change: p.Ser3488Gly; replaces serine 3488 with glycine.
Molecular consequence: missense variant.
Genome position (GRCh38, 1-based): chr15:63,651,337, T>C on the plus strand (A>G on the coding strand, the complement: HERC1 is on the minus strand). VCF-style: chr15-63651337-T-C. GRCh37 (hg19) VCF-style: chr15-63943536-T-C.
Other names: short protein forms S3488G.
Identifiers: ClinVar variation 3857532 (VCV003857532.2).